The following is an entry in ClinVar:

NM_025243.4(SLC19A3):c.160G>T (p.Glu54Ter)

Gene: SLC19A3 (solute carrier family 19 member 3; minus strand). Cytogenetic location: 2q36.3.
Variant type: single nucleotide variant.
Coding change: c.160G>T on transcript NM_025243.4 (MANE Select); coding-DNA position 160, G replaced by T.
Protein change: p.Glu54Ter; replaces glutamic acid 54 with a stop codon.
Molecular consequence: nonsense.
Genome position (GRCh38, 1-based): chr2:227,699,555, C>A on the plus strand (G>T on the coding strand, the complement: SLC19A3 is on the minus strand). VCF-style: chr2-227699555-C-A. GRCh37 (hg19) VCF-style: chr2-228564271-C-A.
Other names: c.160G>T, p.Glu54Ter (NM_001371411.1, NM_001371412.1); c.148G>T, p.Glu50Ter (NM_001371413.1, NM_001371414.1); short protein forms E50*, E54*.
Identifiers: ClinVar variation 2022485 (VCV002022485.4), dbSNP rs1695594361, ClinGen allele CA350877807.

ClinVar aggregate classification (germline): Pathogenic (1 of 4 stars; one submission).

Conditions:
Biotin-responsive basal ganglia disease (BTBGD). Also called: Thiamine metabolism dysfunction syndrome type 2; thiamine-responsive encephalopathy; Thiamine metabolism dysfunction syndrome 2 (biotin- or thiamine-responsive encephalopathy type 2); Thiamine Transporter-2 Deficiency; THIAMINE METABOLISM DYSFUNCTION SYNDROME 2 (BIOTIN- AND THIAMINE-RESPONSIVE TYPE). Identifiers: Orphanet 199348, Orphanet 65284, MedGen C1843807, MONDO:0011841, OMIM 607483.

Submission:

Labcorp Genetics (formerly Invitae), Labcorp
Classification: Pathogenic for Biotin-responsive basal ganglia disease. Last evaluated: 2022-11-01. Review status: criteria provided, single submitter. Criteria: Invitae Variant Classification Sherloc (09022015). Collection method: clinical testing. Allele origin: germline.
Comment: This variant has not been reported in the literature in individuals affected with SLC19A3-related conditions. This sequence change creates a premature translational stop signal (p.Glu54*) in the SLC19A3 gene. It is expected to result in an absent or disrupted protein product. Loss-of-function variants in SLC19A3 are known to be pathogenic (PMID: 23423671, 23482991). This variant is not present in population databases (gnomAD no frequency). For these reasons, this variant has been classified as Pathogenic.

Literature cited by the submitters: PubMed 23423671; PubMed 23482991.